The following is an entry in ClinVar:

NM_003995.4(NPR2):c.1714A>T (p.Arg572Ter)

Gene: NPR2 (natriuretic peptide receptor 2; plus strand). Cytogenetic location: 9p13.3.
Variant type: single nucleotide variant.
Coding change: c.1714A>T on transcript NM_003995.4 (MANE Select); coding-DNA position 1714, A replaced by T.
Protein change: p.Arg572Ter; replaces arginine 572 with a stop codon.
Molecular consequence: nonsense.
Genome position (GRCh38, 1-based): chr9:35,802,506, A>T. VCF-style: chr9-35802506-A-T. GRCh37 (hg19) VCF-style: chr9-35802503-A-T.
Other names: c.1723A>T, p.Arg575Ter (NM_001378923.1); short protein forms R572*, R575*.
Identifiers: ClinVar variation 452267 (VCV000452267.2), dbSNP rs1554673485, ClinGen allele CA373374293.
Genomic context (GRCh38, chr9:35,802,506, plus strand): 5'-TATCTAATTTTTAACTCTTTCAATTTTCTTATCCTTCCCATTGTTTTTTTCTGCCAGATG[A>T]GAGATGTTCAGTTCAACCATCTCACTCGCTTCATTGGCGCCTGCATAGACCCTCCCAACA-3'

ClinVar aggregate classification (germline): Likely pathogenic (1 of 4 stars; one submission).

Submission:

GeneDx
Classification: Likely pathogenic. Last evaluated: 2017-10-09. Review status: criteria provided, single submitter. Criteria: GeneDx Variant Classification (06012015). Collection method: clinical testing. Allele origin: germline. Affected: yes.
Comment: The R572X variant in the NPR2 gene has not been reported previously as a pathogenic variant nor as a benign variant, to our knowledge. This variant is predicted to cause loss of normal protein function either through protein truncation or nonsense-mediated mRNA decay. The R572X variant is not observed in large population cohorts (Lek et al., 2016). We interpret R572X as a likely pathogenic variant.